The following is an entry in ClinVar:

ClinVar aggregate classification (germline): Likely benign. Review status: criteria provided, multiple submitters, no conflicts (2 of 4 stars). 2 submissions from 2 submitters: Likely benign (2). Last evaluated 2023-11-27.

Allele frequency attached by ClinVar (database versions not stated): gnomAD exomes below 0.00001 and 0.00001; TOPMed below 0.00001; gnomAD 0.00001.
gnomAD v4.1: 2 of 1,614,042 alleles (0.00012%); highest among the groups gnomAD compares: East Asian, 0.0045%; no homozygotes.

Submissions (2):

Labcorp Genetics (formerly Invitae), Labcorp
Classification: Likely benign. Last evaluated: 2023-11-27. Review status: criteria provided, single submitter. Criteria: Invitae Variant Classification Sherloc (09022015). Collection method: clinical testing. Allele origin: germline.

CeGaT Center for Human Genetics Tuebingen
Classification: Likely benign. Last evaluated: 2023-10-01. Review status: criteria provided, single submitter. Criteria: CeGaT Center For Human Genetics Tuebingen Variant Classification Criteria Version 2. Collection method: clinical testing. Allele origin: germline. Affected: yes. Observed: 1 variant allele.
Comment: COL4A3: BP4, BP7

NM_000091.5(COL4A3):c.4812C>T (p.Cys1604=)

Genes: COL4A3 (collagen type IV alpha 3 chain; plus strand), MFF-DT (MFF divergent transcript; minus strand). Cytogenetic location: 2q36.3.
Variant type: single nucleotide variant.
Coding change: c.4812C>T on transcript NM_000091.5 (MANE Select); coding-DNA position 4812, C replaced by T.
Protein change: p.Cys1604=; no amino-acid change (cysteine 1604 retained).
Molecular consequence: synonymous variant.
Genome position (GRCh38, 1-based): chr2:227,310,832, C>T. VCF-style: chr2-227310832-C-T. GRCh37 (hg19) VCF-style: chr2-228175548-C-T.
Identifiers: ClinVar variation 1559735 (VCV001559735.32), dbSNP rs1064796314, ClinGen allele CA431509205.
Genomic context (GRCh38, chr2:227,310,832, plus strand): 5'-GTAGTTCACAAGTGCAGGTTCTGAGGGCACCGGGCAAGCACTGGCCTCCCCTGGCTCCTG[C>T]CTGGAAGAATTCCGAGCCAGCCCATTTCTAGAATGTCATGGAAGAGGAACGTGCAACTAC-3'
Protein context (NP_000082.2, residues 1594-1614): TGQALASPGS[Cys1604=]LEEFRASPFL